The following is an entry in ClinVar:

ClinVar aggregate classification (germline): Likely benign (1 of 4 stars; one submission).

Submission:

Mayo Clinic Laboratories, Mayo Clinic
Classification: Likely benign. Last evaluated: 2025-08-27. Review status: criteria provided, single submitter. Criteria: ACMG Guidelines, 2015. Collection method: clinical testing. Allele origin: germline. Observed: 1 variant allele.
Comment: BP4, BP7, PM2_supporting

NM_007214.5(SEC63):c.1473T>C (p.Ala491=)

Gene: SEC63 (SEC63 protein translocation regulator; minus strand). Cytogenetic location: 6q21.
Variant type: single nucleotide variant.
Coding change: c.1473T>C on transcript NM_007214.5 (MANE Select); coding-DNA position 1473, T replaced by C.
Protein change: p.Ala491=; no amino-acid change (alanine 491 retained).
Molecular consequence: synonymous variant.
Genome position (GRCh38, 1-based): chr6:107,893,865, A>G on the plus strand (T>C on the coding strand, the complement: SEC63 is on the minus strand). VCF-style: chr6-107893865-A-G. GRCh37 (hg19) VCF-style: chr6-108215069-A-G.
Other names: p.Ala491=.
Identifiers: ClinVar variation 4683218 (VCV004683218.1).